The following is an entry in ClinVar:

NM_001303256.3(MORC2):c.1421A>G (p.Asn474Ser)

Gene: MORC2 (MORC family CW-type zinc finger 2; minus strand). Cytogenetic location: 22q12.2.
Variant type: single nucleotide variant.
Coding change: c.1421A>G on transcript NM_001303256.3 (MANE Select); coding-DNA position 1421, A replaced by G.
Protein change: p.Asn474Ser; replaces asparagine 474 with serine.
Molecular consequence: missense variant.
Genome position (GRCh38, 1-based): chr22:30,937,660, T>C on the plus strand (A>G on the coding strand, the complement: MORC2 is on the minus strand). VCF-style: chr22-30937660-T-C. GRCh37 (hg19) VCF-style: chr22-31333647-T-C.
Other names: c.1421A>G, p.Asn474Ser (NM_001303257.2); c.1235A>G, p.Asn412Ser (NM_014941.3); short protein forms N474S, N412S.
Identifiers: ClinVar variation 1772265 (VCV001772265.4), dbSNP rs200785275, ClinGen allele CA323276437.

ClinVar aggregate classification (germline): Uncertain significance. Review status: criteria provided, multiple submitters, no conflicts (2 of 4 stars). 2 submissions from 2 submitters: Uncertain significance (2). Last evaluated 2024-02-17.

Conditions:
Inborn genetic diseases. Identifiers: MedGen C0950123, MeSH D030342.
Charcot-Marie-Tooth disease axonal type 2Z. Also called: CHARCOT-MARIE-TOOTH DISEASE, AXONAL, AUTOSOMAL DOMINANT, TYPE 2Z; CHARCOT-MARIE-TOOTH NEUROPATHY, TYPE 2Z. Identifiers: Orphanet 466768, MedGen C5569025, MONDO:0014736, OMIM 616688.

Allele frequency attached by ClinVar (database versions not stated): gnomAD exomes 0.00002.
gnomAD v4.1: 30 of 1,614,022 alleles (0.0019%); highest among the groups gnomAD compares: Non-Finnish European, 0.0025%; no homozygotes.

Submissions (2):

Labcorp Genetics (formerly Invitae), Labcorp
Classification: Uncertain significance for Charcot-Marie-Tooth disease axonal type 2Z. Last evaluated: 2024-02-17. Review status: criteria provided, single submitter. Criteria: Invitae Variant Classification Sherloc (09022015). Collection method: clinical testing. Allele origin: germline.
Comment: This sequence change replaces asparagine, which is neutral and polar, with serine, which is neutral and polar, at codon 474 of the MORC2 protein (p.Asn474Ser). This variant is not present in population databases (gnomAD no frequency). This variant has not been reported in the literature in individuals affected with MORC2-related conditions. ClinVar contains an entry for this variant (Variation ID: 1772265). Advanced modeling of protein sequence and biophysical properties (such as structural, functional, and spatial information, amino acid conservation, physicochemical variation, residue mobility, and thermodynamic stability) has been performed at Invitae for this missense variant, however the output from this modeling did not meet the statistical confidence thresholds required to predict the impact of this variant on MORC2 protein function. In summary, the available evidence is currently insufficient to determine the role of this variant in disease. Therefore, it has been classified as a Variant of Uncertain Significance.

Ambry Genetics
Classification: Uncertain significance for Inborn genetic diseases. Last evaluated: 2022-04-15. Review status: criteria provided, single submitter. Criteria: Ambry Variant Classification Scheme 2023. Collection method: clinical testing. Allele origin: germline.
Comment: The p.N474S variant (also known as c.1421A>G), located in coding exon 15 of the MORC2 gene, results from an A to G substitution at nucleotide position 1421. The asparagine at codon 474 is replaced by serine, an amino acid with highly similar properties. This amino acid position is well conserved in available vertebrate species. In addition, this alteration is predicted to be tolerated by in silico analysis. Since supporting evidence is limited at this time, the clinical significance of this alteration remains unclear.